The following is an entry in ClinVar:

NM_001354712.2(THRB):c.*411A>G

Gene: THRB (thyroid hormone receptor beta; minus strand). Cytogenetic location: 3p24.2.
Variant type: single nucleotide variant.
Coding change: c.*411A>G on transcript NM_001354712.2 (MANE Select); 411 bases downstream of the stop codon, A replaced by G.
Molecular consequence: 3 prime UTR variant.
Genome position (GRCh38, 1-based): chr3:24,122,473, T>C on the plus strand (A>G on the coding strand, the complement: THRB is on the minus strand). VCF-style: chr3-24122473-T-C. GRCh37 (hg19) VCF-style: chr3-24163964-T-C.
Other names: c.*411A>G (NM_000461.5, NM_001128176.3, NM_001128177.2 and 8 more transcripts).
Identifiers: ClinVar variation 344630 (VCV000344630.6), dbSNP rs826375, ClinGen allele CA10618381.

ClinVar aggregate classification (germline): Benign. Review status: criteria provided, multiple submitters, no conflicts (2 of 4 stars). 2 submissions from 2 submitters: Benign (2). Last evaluated 2018-01-12.

Conditions:
Thyroid hormone resistance, generalized, autosomal dominant (GRTHD). Also called: HYPERTHYROXINEMIA, FAMILIAL EUTHYROID, SECONDARY TO PITUITARY AND PERIPHERAL RESISTANCE TO THYROID HORMONES. Identifiers: MedGen C2937288, MONDO:0008569, OMIM 188570.

Allele frequency attached by ClinVar (database versions not stated): gnomAD 0.22397 and 0.22742; TOPMed 0.23147; gnomAD exomes 0.24391; 1000 Genomes Project 30x 0.27483; 1000 Genomes Project 0.27496.
gnomAD v4.1: 68,061 of 288,550 alleles (24%); highest among the groups gnomAD compares: East Asian, 58%; 8,997 homozygotes.

Submissions (2):

Illumina Laboratory Services, Illumina
Classification: Benign for Thyroid hormone resistance, generalized, autosomal dominant. Last evaluated: 2018-01-12. Review status: criteria provided, single submitter. Criteria: ICSL Variant Classification Criteria 13 December 2019. Collection method: clinical testing. Allele origin: germline.
Comment: This variant was observed in the ICSL laboratory as part of a predisposition screen in an ostensibly healthy population. It had not been previously curated by ICSL or reported in the Human Gene Mutation Database (HGMD: prior to June 1st, 2018), and was therefore a candidate for classification through an automated scoring system. Utilizing variant allele frequency, disease prevalence and penetrance estimates, and inheritance mode, an automated score was calculated to assess if this variant is too frequent to cause the disease. Based on the score and internal cut-off values, a variant classified as benign is not then subjected to further curation. The score for this variant resulted in a classification of benign for this disease.

Breakthrough Genomics
Classification: Benign. Review status: criteria provided, single submitter. Criteria: ACMG Guidelines, 2015. Collection method: not provided. Allele origin: germline. Inheritance: Autosomal recessive inheritance. Affected: yes.